The following is an entry in ClinVar:

ClinVar aggregate classification (germline): Uncertain significance (1 of 4 stars; one submission).

Allele frequency attached by ClinVar (database versions not stated): gnomAD exomes 0.00001 and 0.00002; ExAC 0.00002.
gnomAD v4.1: 13 of 1,614,154 alleles (0.00081%); highest among the groups gnomAD compares: South Asian, 0.013%; no homozygotes.

Submission:

Labcorp Genetics (formerly Invitae), Labcorp
Classification: Uncertain significance. Last evaluated: 2023-08-30. Review status: criteria provided, single submitter. Criteria: Invitae Variant Classification Sherloc (09022015). Collection method: clinical testing. Allele origin: germline.
Comment: This variant has not been reported in the literature in individuals affected with EMC1-related conditions. This variant is present in population databases (rs779642382, gnomAD 0.01%). This sequence change replaces isoleucine, which is neutral and non-polar, with valine, which is neutral and non-polar, at codon 375 of the EMC1 protein (p.Ile375Val). In summary, the available evidence is currently insufficient to determine the role of this variant in disease. Therefore, it has been classified as a Variant of Uncertain Significance. Advanced modeling of protein sequence and biophysical properties (such as structural, functional, and spatial information, amino acid conservation, physicochemical variation, residue mobility, and thermodynamic stability) performed at Invitae indicates that this missense variant is not expected to disrupt EMC1 protein function. ClinVar contains an entry for this variant (Variation ID: 1060212).

NM_015047.3(EMC1):c.1123A>G (p.Ile375Val)

Genes: EMC1 (ER membrane protein complex subunit 1; minus strand), EMC1-AS1 (EMC1 antisense RNA 1; plus strand). Cytogenetic location: 1p36.13.
Variant type: single nucleotide variant.
Coding change: c.1123A>G on transcript NM_015047.3 (MANE Select); coding-DNA position 1123, A replaced by G.
Protein change: p.Ile375Val; replaces isoleucine 375 with valine.
Molecular consequence: missense variant.
Genome position (GRCh38, 1-based): chr1:19,238,106, T>C on the plus strand (A>G on the coding strand, the complement: EMC1 is on the minus strand). VCF-style: chr1-19238106-T-C. GRCh37 (hg19) VCF-style: chr1-19564600-T-C.
Other names: c.1120A>G, p.Ile374Val (NM_001271427.2, NM_001375821.1); c.1123A>G, p.Ile375Val (NM_001271428.2, NM_001375820.1); c.1057A>G, p.Ile353Val (NM_001271429.2); short protein forms I353V, I374V, I375V.
Identifiers: ClinVar variation 1060212 (VCV001060212.9), dbSNP rs779642382, ClinGen allele CA652660.